The following is an entry in ClinVar:

ClinVar aggregate classification (germline): Uncertain significance (1 of 4 stars; one submission).

gnomAD v4.1: 17 of 1,600,350 alleles (0.0011%); highest among the groups gnomAD compares: Non-Finnish European, 0.0015%; no homozygotes.

Submission:

Labcorp Genetics (formerly Invitae), Labcorp
Classification: Uncertain significance. Last evaluated: 2025-05-30. Review status: criteria provided, single submitter. Criteria: Invitae Variant Classification Sherloc (09022015). Collection method: clinical testing. Allele origin: germline.
Comment: This sequence change replaces asparagine, which is neutral and polar, with aspartic acid, which is acidic and polar, at codon 844 of the POLR3B protein (p.Asn844Asp). This variant is not present in population databases (gnomAD no frequency). This variant has not been reported in the literature in individuals affected with POLR3B-related conditions. An algorithm developed to predict the effect of missense changes on protein structure and function (PolyPhen-2) suggests that this variant is likely to be tolerated. In summary, the available evidence is currently insufficient to determine the role of this variant in disease. Therefore, it has been classified as a Variant of Uncertain Significance.

NM_018082.6(POLR3B):c.2530A>G (p.Asn844Asp)

Gene: POLR3B (RNA polymerase III subunit B; plus strand). Cytogenetic location: 12q23.3.
Variant type: single nucleotide variant.
Coding change: c.2530A>G on transcript NM_018082.6 (MANE Select); coding-DNA position 2530, A replaced by G.
Protein change: p.Asn844Asp; replaces asparagine 844 with aspartic acid.
Molecular consequence: missense variant.
Genome position (GRCh38, 1-based): chr12:106,459,328, A>G. VCF-style: chr12-106459328-A-G. GRCh37 (hg19) VCF-style: chr12-106853106-A-G.
Other names: c.2356A>G, p.Asn786Asp (NM_001160708.2); short protein forms N786D, N844D.
Identifiers: ClinVar variation 4773480 (VCV004773480.1).